The following is an entry in ClinVar:

ClinVar aggregate classification (germline): Pathogenic. Review status: criteria provided, multiple submitters, no conflicts (2 of 4 stars). 2 submissions from 2 submitters: Pathogenic (2). Last evaluated 2025-03-24.

Conditions:
Bethlem myopathy 1A. Also called: MYOPATHY, BENIGN CONGENITAL, WITH CONTRACTURES; Bethlem Muscular Dystrophy; Bethlem myopathy 1. Identifiers: Orphanet 610, MedGen CN029274, MONDO:0024530, OMIM 158810.
Myopathy. Identifiers: MedGen C0026848, MeSH D009135, MONDO:0005336, HP:0003198.

Submissions (2):

Labcorp Genetics (formerly Invitae), Labcorp
Classification: Pathogenic for Bethlem myopathy 1A. Last evaluated: 2025-03-24. Review status: criteria provided, single submitter. Criteria: Invitae Variant Classification Sherloc (09022015). Collection method: clinical testing. Allele origin: germline.
Comment: This sequence change affects an acceptor splice site in intron 13 of the COL6A1 gene. It is expected to disrupt RNA splicing. Variants that disrupt the donor or acceptor splice site typically lead to a loss of protein function (PMID: 16199547), and loss-of-function variants in COL6A1 are known to be disease-causing for autosomal recessive COL6A1-related conditions (PMID: 21280092, 20976770). However, certain variants affecting donor or acceptor splice sites in the triple helical domain of COL6A1 are expected to result in in-frame exon skipping and have been reported to cause autosomal dominant COL6A1-related conditions (PMID: 18366090). This variant is not present in population databases (gnomAD no frequency). Disruption of this splice site has been observed in individual(s) with autosomal dominant collagenopathy (PMID: 25635128, 27854213, 28771251). In at least one individual the variant was observed to be de novo. ClinVar contains an entry for this variant (Variation ID: 210745). Algorithms developed to predict the effect of sequence changes on RNA splicing suggest that this variant may disrupt the consensus splice site. For these reasons, this variant has been classified as Pathogenic.

Genetic Services Laboratory, University of Chicago
Classification: Pathogenic for Myopathy. Last evaluated: 2014-11-03. Review status: criteria provided, single submitter. Criteria: ACMG Guidelines, 2015. Collection method: clinical testing. Allele origin: germline. Affected: yes.

Literature cited by the submitters: PubMed 16199547 (cited by Labcorp Genetics (formerly Invitae), Labcorp); PubMed 21280092 (cited by Labcorp Genetics (formerly Invitae), Labcorp); PubMed 20976770 (cited by Labcorp Genetics (formerly Invitae), Labcorp); PubMed 18366090 (cited by Labcorp Genetics (formerly Invitae), Labcorp); PubMed 25635128 (cited by Labcorp Genetics (formerly Invitae), Labcorp); PubMed 27854213 (cited by Labcorp Genetics (formerly Invitae), Labcorp); PubMed 28771251 (cited by Labcorp Genetics (formerly Invitae), Labcorp).

NM_001848.3(COL6A1):c.1003-2A>G

Gene: COL6A1 (collagen type VI alpha 1 chain; plus strand). Cytogenetic location: 21q22.3.
Variant type: single nucleotide variant.
Coding change: c.1003-2A>G on transcript NM_001848.3 (MANE Select); the canonical splice acceptor site of the intron before coding-DNA position 1003, A replaced by G.
Molecular consequence: splice acceptor variant.
Genome position (GRCh38, 1-based): chr21:45,990,771, A>G. VCF-style: chr21-45990771-A-G. GRCh37 (hg19) VCF-style: chr21-47410685-A-G.
Identifiers: ClinVar variation 210745 (VCV000210745.15), dbSNP rs797045477, ClinGen allele CA208649.